The following is an entry in ClinVar:

ClinVar aggregate classification (germline): Benign/Likely benign. Review status: criteria provided, multiple submitters, no conflicts (2 of 4 stars). 13 submissions from 13 submitters: Benign (2); Likely benign (9). 2 of the submissions do not count toward it. Last evaluated 2026-01-22.

Conditions:
Atypical hemolytic-uremic syndrome. Identifiers: Orphanet 2134, MedGen C2931788, MONDO:0016244.
CFHR5 deficiency. Identifiers: MedGen C3553720.
CFH-Related Dense Deposit Disease / Membranoproliferative Glomerulonephritis Type II. Identifiers: MedGen CN071292.

Allele frequency attached by ClinVar (database versions not stated): 1000 Genomes Project 0.01038; 1000 Genomes Project 30x 0.01062; gnomAD exomes 0.01633 and 0.02435; gnomAD 0.01713 and 0.01746; TOPMed 0.01745; ExAC 0.01777; ESP Exome Variant Server 0.02092.

Submissions (13):

Women's Health and Genetics/Laboratory Corporation of America, LabCorp
Classification: Likely benign. Last evaluated: 2026-01-22. Review status: criteria provided, single submitter. Criteria: LabCorp Variant Classification Summary - May 2015. Collection method: clinical testing. Allele origin: germline.

Labcorp Genetics (formerly Invitae), Labcorp
Classification: Benign. Last evaluated: 2026-01-07. Review status: criteria provided, single submitter. Criteria: Invitae Variant Classification Sherloc (09022015). Collection method: clinical testing. Allele origin: germline.

CeGaT Center for Human Genetics Tuebingen
Classification: Benign. Last evaluated: 2025-06-01. Review status: criteria provided, single submitter. Criteria: CeGaT Center For Human Genetics Tuebingen Variant Classification Criteria Version 2. Collection method: clinical testing. Allele origin: germline. Affected: yes. Observed: 7 variant alleles.
Comment: CFHR5: BP4, BS1, BS2

Mayo Clinic Laboratories, Mayo Clinic
Classification: Likely benign. Last evaluated: 2024-12-23. Review status: criteria provided, single submitter. Criteria: ACMG Guidelines, 2015. Collection method: clinical testing. Allele origin: germline. Observed: 147 variant alleles.
Comment: BS1, BP4, BP5

Blueprint Genetics
Classification: Likely benign. Last evaluated: 2024-11-26. Review status: criteria provided, single submitter. Criteria: ACMG Guidelines, 2015. Collection method: clinical testing. Allele origin: germline.

Genome-Nilou Lab
Classification: Likely benign for C3 glomerulonephritis. Last evaluated: 2023-04-11. Review status: criteria provided, single submitter. Criteria: ACMG Guidelines, 2015. Collection method: clinical testing. Allele origin: germline. Affected: no.

Genome Diagnostics Laboratory, The Hospital for Sick Children
Classification: Likely benign for Atypical hemolytic-uremic syndrome. Last evaluated: 2022-03-15. Review status: criteria provided, single submitter. Criteria: ACMG Guidelines, 2015. Collection method: clinical testing. Allele origin: germline.

GeneDx
Classification: Likely benign. Last evaluated: 2021-06-10. Review status: criteria provided, single submitter. Criteria: GeneDx Variant Classification Process June 2021. Collection method: clinical testing. Allele origin: germline. Affected: yes.
Comment: See Variant Classification Assertion Criteria.

Illumina Laboratory Services, Illumina
Classification: Likely benign for Membranoproliferative glomerulonephritis with complement factor h deficiency. Last evaluated: 2017-04-27. Review status: criteria provided, single submitter. Criteria: ICSL Variant Classification Criteria 13 December 2019. Collection method: clinical testing. Allele origin: germline.
Comment: This variant was observed as part of a predisposition screen in an ostensibly healthy population. A literature search was performed for the gene, cDNA change, and amino acid change (where applicable). Publications were found based on this search. The evidence from the literature, in combination with allele frequency data from public databases where available, was sufficient to determine this variant is unlikely to cause disease. Therefore, this variant is classified as likely benign.

Laboratory for Molecular Medicine, Mass General Brigham Personalized Medicine
Classification: Likely benign. Last evaluated: 2016-03-29. Review status: criteria provided, single submitter. Criteria: LMM Criteria. Collection method: clinical testing. Allele origin: germline.
Comment: Variant identified in a genome or exome case(s) and assessed due to predicted null impact of the variant or pathogenic assertions in the literature or databases. Disclaimer: This variant has not undergone full assessment. The following are preliminary notes: Frequency in ESP (all): 272/13000=2%

Breakthrough Genomics
Classification: Likely benign. Review status: criteria provided, single submitter. Criteria: ACMG Guidelines, 2015. Collection method: not provided. Allele origin: germline. Inheritance: Autosomal dominant inheritance. Affected: yes.

Genome Diagnostics Laboratory, University Medical Center Utrecht
Classification: Benign. Review status: no assertion criteria provided. Collection method: clinical testing. Allele origin: germline. Affected: yes. Study: VKGL Data-share Consensus. Not counted in ClinVar's aggregate classification.

Joint Genome Diagnostic Labs from Nijmegen and Maastricht, Radboudumc and MUMC+
Classification: Likely benign. Review status: no assertion criteria provided. Collection method: clinical testing. Allele origin: germline. Affected: yes. Study: VKGL Data-share Consensus. Not counted in ClinVar's aggregate classification.

Literature cited by the submitters: PubMed 17000000 (cited by Illumina Laboratory Services, Illumina); PubMed 19365580 (cited by Illumina Laboratory Services, Illumina).

NM_030787.4(CFHR5):c.1067G>A (p.Arg356His)

Gene: CFHR5 (complement factor H related 5; plus strand). Cytogenetic location: 1q31.3.
Variant type: single nucleotide variant.
Coding change: c.1067G>A on transcript NM_030787.4 (MANE Select); coding-DNA position 1067, G replaced by A.
Protein change: p.Arg356His; replaces arginine 356 with histidine.
Molecular consequence: missense variant.
Genome position (GRCh38, 1-based): chr1:196,998,224, G>A. VCF-style: chr1-196998224-G-A. GRCh37 (hg19) VCF-style: chr1-196967354-G-A.
Other names: short protein forms R356H.
Identifiers: ClinVar variation 402533 (VCV000402533.49), dbSNP rs35662416, ClinGen allele CA1307950.